The following is an entry in ClinVar:

NM_003079.5(SMARCE1):c.1007A>G (p.Glu336Gly)

Gene: SMARCE1 (SWI/SNF related BAF chromatin remodeling complex subunit E1; minus strand). Cytogenetic location: 17q21.2.
Variant type: single nucleotide variant.
Coding change: c.1007A>G on transcript NM_003079.5 (MANE Select); coding-DNA position 1007, A replaced by G.
Protein change: p.Glu336Gly; replaces glutamic acid 336 with glycine.
Molecular consequence: missense variant.
Genome position (GRCh38, 1-based): chr17:40,630,734, T>C on the plus strand (A>G on the coding strand, the complement: SMARCE1 is on the minus strand). VCF-style: chr17-40630734-T-C. GRCh37 (hg19) VCF-style: chr17-38786986-T-C.
Other names: short protein forms E336G.
Identifiers: ClinVar variation 4740513 (VCV004740513.1).

ClinVar aggregate classification (germline): Uncertain significance (1 of 4 stars; one submission).

Conditions:
Familial meningioma. Also called: Meningioma, familial, susceptibility to. Identifiers: Orphanet 263662, MedGen C3551915, MONDO:0011789, OMIM 607174.

Submission:

Labcorp Genetics (formerly Invitae), Labcorp
Classification: Uncertain significance for Familial meningioma. Last evaluated: 2025-03-01. Review status: criteria provided, single submitter. Criteria: Invitae Variant Classification Sherloc (09022015). Collection method: clinical testing. Allele origin: germline.
Comment: This sequence change replaces glutamic acid, which is acidic and polar, with glycine, which is neutral and non-polar, at codon 336 of the SMARCE1 protein (p.Glu336Gly). This variant is not present in population databases (gnomAD no frequency). This variant has not been reported in the literature in individuals affected with SMARCE1-related conditions. Invitae Evidence Modeling of protein sequence and biophysical properties (such as structural, functional, and spatial information, amino acid conservation, physicochemical variation, residue mobility, and thermodynamic stability) indicates that this missense variant is not expected to disrupt SMARCE1 protein function with a negative predictive value of 80%. In summary, the available evidence is currently insufficient to determine the role of this variant in disease. Therefore, it has been classified as a Variant of Uncertain Significance.